The following is an entry in ClinVar:

NM_000257.4(MYH7):c.2446T>C (p.Trp816Arg)

Genes: MYH7 (myosin heavy chain 7; minus strand), LOC126861898 (BRD4-independent group 4 enhancer GRCh37_chr14:23893609-23894808; plus strand). Cytogenetic location: 14q11.2.
Variant type: single nucleotide variant.
Coding change: c.2446T>C on transcript NM_000257.4 (MANE Select); coding-DNA position 2446, T replaced by C.
Protein change: p.Trp816Arg; replaces tryptophan 816 with arginine.
Molecular consequence: missense variant.
Genome position (GRCh38, 1-based): chr14:23,425,002, A>G on the plus strand (T>C on the coding strand, the complement: MYH7 is on the minus strand). VCF-style: chr14-23425002-A-G. GRCh37 (hg19) VCF-style: chr14-23894211-A-G.
Other names: c.2446T>C (LRG_384t1); short protein forms W816R.
Identifiers: ClinVar variation 519200 (VCV000519200.16), dbSNP rs1555337763, ClinGen allele CA389048394.

ClinVar aggregate classification (germline): Conflicting classifications of pathogenicity. Review status: criteria provided, conflicting classifications (1 of 4 stars). 2 submissions from 2 submitters: Likely pathogenic (1); Uncertain significance (1). Last evaluated 2023-06-16.

Conditions:
Cardiovascular phenotype. Identifiers: MedGen CN230736.
Hypertrophic cardiomyopathy. Also called: HYPERTROPHIC MYOCARDIOPATHY. Identifiers: Orphanet 217569, MedGen C0007194, MeSH D002312, MONDO:0005045, HP:0001639.

Submissions (2):

Labcorp Genetics (formerly Invitae), Labcorp
Classification: Likely pathogenic for Hypertrophic cardiomyopathy. Last evaluated: 2023-06-16. Review status: criteria provided, single submitter. Criteria: Invitae Variant Classification Sherloc (09022015). Collection method: clinical testing. Allele origin: germline.
Comment: This sequence change replaces tryptophan, which is neutral and slightly polar, with arginine, which is basic and polar, at codon 816 of the MYH7 protein (p.Trp816Arg). This variant is not present in population databases (gnomAD no frequency). This missense change has been observed in individual(s) with clinical features of dilated cardiomyopathy (Invitae). It has also been observed to segregate with disease in related individuals. ClinVar contains an entry for this variant (Variation ID: 519200). Advanced modeling of protein sequence and biophysical properties (such as structural, functional, and spatial information, amino acid conservation, physicochemical variation, residue mobility, and thermodynamic stability) performed at Invitae indicates that this missense variant is expected to disrupt MYH7 protein function. In summary, the currently available evidence indicates that the variant is pathogenic, but additional data are needed to prove that conclusively. Therefore, this variant has been classified as Likely Pathogenic.

Ambry Genetics
Classification: Uncertain significance for Cardiovascular phenotype. Last evaluated: 2023-02-22. Review status: criteria provided, single submitter. Criteria: Ambry Variant Classification Scheme 2023. Collection method: clinical testing. Allele origin: germline.
Comment: The p.W816R variant (also known as c.2446T>C), located in coding exon 20 of the MYH7 gene, results from a T to C substitution at nucleotide position 2446. The tryptophan at codon 816 is replaced by arginine, an amino acid with dissimilar properties. This amino acid position is well conserved in available vertebrate species. In addition, this alteration is predicted to be deleterious by in silico analysis. Since supporting evidence is limited at this time, the clinical significance of this alteration remains unclear.